The following is an entry in ClinVar:

NM_000528.4(MAN2B1):c.2166-8G>A

Gene: MAN2B1 (mannosidase alpha class 2B member 1; minus strand). Cytogenetic location: 19p13.13.
Variant type: single nucleotide variant.
Coding change: c.2166-8G>A on transcript NM_000528.4 (MANE Select); 8 bases into the intron before coding-DNA position 2166, G replaced by A.
Molecular consequence: intron variant.
Genome position (GRCh38, 1-based): chr19:12,650,022, C>T on the plus strand (G>A on the coding strand, the complement: MAN2B1 is on the minus strand). VCF-style: chr19-12650022-C-T. GRCh37 (hg19) VCF-style: chr19-12760836-C-T.
Other names: c.2163-8G>A (NM_001173498.2).
Identifiers: ClinVar variation 1382837 (VCV001382837.3), dbSNP rs774350579, ClinGen allele CA9226170.

ClinVar aggregate classification (germline): Uncertain significance (1 of 4 stars; one submission).

Conditions:
Deficiency of alpha-mannosidase (MANSA). Also called: Alpha-Mannosidosis; Mannosidosis, alpha-, types I and II; LYSOSOMAL ALPHA-D-MANNOSIDASE DEFICIENCY. Identifiers: Orphanet 61, MedGen C0024748, MONDO:0009561, OMIM 248500.

Allele frequency attached by ClinVar (database versions not stated): TOPMed below 0.00001; gnomAD 0.00001; gnomAD exomes 0.00002 and 0.00004; ExAC 0.00005.
gnomAD v4.1: 27 of 1,613,446 alleles (0.0017%); highest among the groups gnomAD compares: South Asian, 0.03%; no homozygotes.

Submission:

Labcorp Genetics (formerly Invitae), Labcorp
Classification: Uncertain significance for Deficiency of alpha-mannosidase. Last evaluated: 2022-08-16. Review status: criteria provided, single submitter. Criteria: Invitae Variant Classification Sherloc (09022015). Collection method: clinical testing. Allele origin: germline.
Comment: This sequence change falls in intron 17 of the MAN2B1 gene. It does not directly change the encoded amino acid sequence of the MAN2B1 protein. This variant is present in population databases (rs774350579, gnomAD 0.03%). This variant has not been reported in the literature in individuals affected with MAN2B1-related conditions. ClinVar contains an entry for this variant (Variation ID: 1382837). Algorithms developed to predict the effect of sequence changes on RNA splicing suggest that this variant may disrupt the consensus splice site. In summary, the available evidence is currently insufficient to determine the role of this variant in disease. Therefore, it has been classified as a Variant of Uncertain Significance.